The following is an entry in ClinVar:

NM_152424.4(AMER1):c.1441G>C (p.Asp481His)

Gene: AMER1 (APC membrane recruitment protein 1; minus strand). Cytogenetic location: Xq11.2.
Variant type: single nucleotide variant.
Coding change: c.1441G>C on transcript NM_152424.4 (MANE Select); coding-DNA position 1441, G replaced by C.
Protein change: p.Asp481His; replaces aspartic acid 481 with histidine.
Molecular consequence: missense variant.
Genome position (GRCh38, 1-based): chrX:64,191,846, C>G on the plus strand (G>C on the coding strand, the complement: AMER1 is on the minus strand). VCF-style: chrX-64191846-C-G. GRCh37 (hg19) VCF-style: chrX-63411726-C-G.
Other names: short protein forms D481H.
Identifiers: ClinVar variation 2004005 (VCV002004005.4), dbSNP rs764138137, ClinGen allele CA413307732.

ClinVar aggregate classification (germline): Uncertain significance (1 of 4 stars; one submission).

Submission:

Labcorp Genetics (formerly Invitae), Labcorp
Classification: Uncertain significance. Last evaluated: 2022-06-09. Review status: criteria provided, single submitter. Criteria: Invitae Variant Classification Sherloc (09022015). Collection method: clinical testing. Allele origin: germline.
Comment: This variant is not present in population databases (gnomAD no frequency). This sequence change replaces aspartic acid, which is acidic and polar, with histidine, which is basic and polar, at codon 481 of the AMER1 protein (p.Asp481His). This variant has not been reported in the literature in individuals affected with AMER1-related conditions. Algorithms developed to predict the effect of missense changes on protein structure and function (SIFT, PolyPhen-2, Align-GVGD) all suggest that this variant is likely to be disruptive. In summary, the available evidence is currently insufficient to determine the role of this variant in disease. Therefore, it has been classified as a Variant of Uncertain Significance.